The following is an entry in ClinVar:

NM_001244008.2(KIF1A):c.5320G>T (p.Ala1774Ser)

Gene: KIF1A (kinesin family member 1A; minus strand). Cytogenetic location: 2q37.3.
Variant type: single nucleotide variant.
Coding change: c.5320G>T on transcript NM_001244008.2 (MANE Select); coding-DNA position 5320, G replaced by T.
Protein change: p.Ala1774Ser; replaces alanine 1774 with serine.
Molecular consequence: missense variant.
Genome position (GRCh38, 1-based): chr2:240,718,063, C>A on the plus strand (G>T on the coding strand, the complement: KIF1A is on the minus strand). VCF-style: chr2-240718063-C-A. GRCh37 (hg19) VCF-style: chr2-241657480-C-A.
Other names: c.5044G>T, p.Ala1682Ser (NM_001320705.2, NM_001379649.1); c.5071G>T, p.Ala1691Ser (NM_001330289.2); c.5119G>T, p.Ala1707Ser (NM_001330290.2, NM_001379648.1); c.5395G>T, p.Ala1799Ser (NM_001379631.1); c.5296G>T, p.Ala1766Ser (NM_001379632.1); c.5293G>T, p.Ala1765Ser (NM_001379633.1, NM_001379645.1); c.5146G>T, p.Ala1716Ser (NM_001379634.1); c.5143G>T, p.Ala1715Ser (NM_001379635.1, NM_001379646.1); and 8 more; short protein forms A1681S, A1690S, A1711S, A1716S, A1661S, A1691S, A1715S, A1765S.
Identifiers: ClinVar variation 1489485 (VCV001489485.8), dbSNP rs2044773373, ClinGen allele CA351297356.

ClinVar aggregate classification (germline): Uncertain significance (1 of 4 stars; one submission).

Conditions:
Hereditary spastic paraplegia 30. Identifiers: Orphanet 101010, MedGen C5235139, MONDO:0012476.
Neuropathy, hereditary sensory, type 2C. Also called: KIF1A-Related HSAN2 (HSAN2C); Hereditary sensory and autonomic neuropathy type IIC. Identifiers: Orphanet 970, MedGen C3280168, MONDO:0013634, OMIM 614213.
Intellectual disability, autosomal dominant 9 (NESCAVS). Also called: KIF1A-Related Neurodevelopmental Disorder; NESCAV SYNDROME. Identifiers: Orphanet 662367, MedGen C5393830, MONDO:0013656, OMIM 614255.

Submission:

Labcorp Genetics (formerly Invitae), Labcorp
Classification: Uncertain significance for Hereditary spastic paraplegia 30; Neuropathy, hereditary sensory, type 2C; Intellectual disability, autosomal dominant 9. Last evaluated: 2021-01-22. Review status: criteria provided, single submitter. Criteria: Invitae Variant Classification Sherloc (09022015). Collection method: clinical testing. Allele origin: germline.
Comment: In summary, the available evidence is currently insufficient to determine the role of this variant in disease. Therefore, it has been classified as a Variant of Uncertain Significance. Algorithms developed to predict the effect of missense changes on protein structure and function are either unavailable or do not agree on the potential impact of this missense change (SIFT: "Deleterious"; PolyPhen-2: "Probably Damaging"; Align-GVGD: "Class C0"). This variant has not been reported in the literature in individuals with KIF1A-related conditions. This variant is not present in population databases (ExAC no frequency). This sequence change replaces alanine with serine at codon 1673 of the KIF1A protein (p.Ala1673Ser). The alanine residue is highly conserved and there is a moderate physicochemical difference between alanine and serine.